The following is an entry in ClinVar:

NM_006231.4(POLE):c.5552+14C>T

Gene: POLE (DNA polymerase epsilon, catalytic subunit; minus strand). Cytogenetic location: 12q24.33.
Variant type: single nucleotide variant.
Coding change: c.5552+14C>T on transcript NM_006231.4 (MANE Select); 14 bases into the intron after coding-DNA position 5552, C replaced by T.
Molecular consequence: intron variant.
Genome position (GRCh38, 1-based): chr12:132,639,111, G>A on the plus strand (C>T on the coding strand, the complement: POLE is on the minus strand). VCF-style: chr12-132639111-G-A. GRCh37 (hg19) VCF-style: chr12-133215697-G-A.
Identifiers: ClinVar variation 517763 (VCV000517763.8), dbSNP rs1367903300, ClinGen allele CA608514079.

ClinVar aggregate classification (germline): Likely benign. Review status: criteria provided, multiple submitters, no conflicts (2 of 4 stars). 2 submissions from 2 submitters: Likely benign (2). Last evaluated 2025-08-06.

Allele frequency attached by ClinVar (database versions not stated): gnomAD exomes below 0.00001 and 0.00001; gnomAD 0.00001; TOPMed 0.00001.

Submissions (2):

Labcorp Genetics (formerly Invitae), Labcorp
Classification: Likely benign. Last evaluated: 2025-08-06. Review status: criteria provided, single submitter. Criteria: Invitae Variant Classification Sherloc (09022015). Collection method: clinical testing. Allele origin: germline.

GeneDx
Classification: Likely benign. Last evaluated: 2017-12-04. Review status: criteria provided, single submitter. Criteria: GeneDx Variant Classification (06012015). Collection method: clinical testing. Allele origin: germline. Affected: yes.
Comment: This variant is considered likely benign or benign based on one or more of the following criteria: it is a conservative change, it occurs at a poorly conserved position in the protein, it is predicted to be benign by multiple in silico algorithms, and/or has population frequency not consistent with disease.